The following is an entry in ClinVar:

NM_001003722.2(GLE1):c.2051T>C (p.Ile684Thr)

Genes: GLE1 (GLE1 RNA export mediator; plus strand), LOC101929270 (uncharacterized LOC101929270; minus strand). Cytogenetic location: 9q34.11.
Variant type: single nucleotide variant.
Coding change: c.2051T>C on transcript NM_001003722.2 (MANE Select); coding-DNA position 2051, T replaced by C.
Protein change: p.Ile684Thr; replaces isoleucine 684 with threonine.
Molecular consequence: missense variant.
Genome position (GRCh38, 1-based): chr9:128,541,124, T>C. VCF-style: chr9-128541124-T-C. GRCh37 (hg19) VCF-style: chr9-131303403-T-C.
Other names: c.2051T>C (NM_001003722.1); short protein forms I684T.
Identifiers: ClinVar variation 6465 (VCV000006465.4), dbSNP rs121434409, ClinGen allele CA118286.

ClinVar aggregate classification (germline): Pathogenic. Review status: criteria provided, multiple submitters, no conflicts (2 of 4 stars). 3 submissions from 3 submitters: Pathogenic (2). 1 of the submissions does not count toward it. Last evaluated 2025-07-01.

Conditions:
Lethal congenital contractural syndrome Finnish type.
Lethal arthrogryposis-anterior horn cell disease syndrome (CAAHD). Also called: CONGENITAL ARTHROGRYPOSIS WITH ANTERIOR HORN CELL DISEASE. Identifiers: Orphanet 53696, MedGen C5193016, MONDO:0012750, OMIM 611890.

Allele frequency attached by ClinVar (database versions not stated): gnomAD 0.00002; gnomAD exomes 0.00002 and 0.00004; ExAC 0.00003.
gnomAD v4.1: 31 of 1,588,832 alleles (0.002%); no homozygotes.

Submissions (3):

Natera, Inc.
Classification: Pathogenic for Lethal congenital contractural syndrome Finnish type. Last evaluated: 2025-07-01. Review status: criteria provided, single submitter. Criteria: Natera Variant Classification Schema (03/2026). Collection method: clinical testing. Allele origin: germline.
Comment: The c.2051T>C variant in GLE1 is a missense variant predicted to cause substitution of isoleucine to threonine at amino acid 684. This variant is rare in the general population with a frequency below the threshold expected for the associated phenotype(s). This variant has been observed in one or more individuals affected with the associated recessive disease, as either homozygous or compound heterozygous with a second variant (PMID: 18204449). Functional studies show that this variant may disrupt protein function (PMID: 28657126). Computational prediction algorithms indicate this variant is likely to affect gene or protein function. Given the available evidence, this variant is classified as Pathogenic.

Labcorp Genetics (formerly Invitae), Labcorp
Classification: Pathogenic. Last evaluated: 2024-03-07. Review status: criteria provided, single submitter. Criteria: Invitae Variant Classification Sherloc (09022015). Collection method: clinical testing. Allele origin: germline.
Comment: This sequence change replaces isoleucine, which is neutral and non-polar, with threonine, which is neutral and polar, at codon 684 of the GLE1 protein (p.Ile684Thr). This variant is present in population databases (rs121434409, gnomAD 0.04%). This missense change has been observed in individuals with clinical features of lethal congenital contracture syndrome (PMID: 18204449, 28657126). It has also been observed to segregate with disease in related individuals. ClinVar contains an entry for this variant (Variation ID: 6465). Advanced modeling of protein sequence and biophysical properties (such as structural, functional, and spatial information, amino acid conservation, physicochemical variation, residue mobility, and thermodynamic stability) has been performed at Invitae for this missense variant, however the output from this modeling did not meet the statistical confidence thresholds required to predict the impact of this variant on GLE1 protein function. For these reasons, this variant has been classified as Pathogenic.

OMIM
Classification: Pathogenic for CONGENITAL ARTHROGRYPOSIS WITH ANTERIOR HORN CELL DISEASE. Last evaluated: 2008-02-01. Review status: no assertion criteria provided. Collection method: literature only. Allele origin: germline. Not counted in ClinVar's aggregate classification.

Literature cited by the submitters: PubMed 18204449 (cited by 3 submitters); PubMed 28657126 (cited by 3 submitters).